The following is an entry in ClinVar:

NM_004998.4(MYO1E):c.474C>T (p.Asn158=)

Gene: MYO1E (myosin IE; minus strand). Cytogenetic location: 15q22.2.
Variant type: single nucleotide variant.
Coding change: c.474C>T on transcript NM_004998.4 (MANE Select); coding-DNA position 474, C replaced by T.
Protein change: p.Asn158=; no amino-acid change (asparagine 158 retained).
Molecular consequence: synonymous variant.
Genome position (GRCh38, 1-based): chr15:59,231,738, G>A on the plus strand (C>T on the coding strand, the complement: MYO1E is on the minus strand). VCF-style: chr15-59231738-G-A. GRCh37 (hg19) VCF-style: chr15-59523937-G-A.
Identifiers: ClinVar variation 1166700 (VCV001166700.34), dbSNP rs139225644, ClinGen allele CA7590319.

ClinVar aggregate classification (germline): Benign/Likely benign. Review status: criteria provided, multiple submitters, no conflicts (2 of 4 stars). 3 submissions from 3 submitters: Benign (1); Likely benign (2). Last evaluated 2026-09-01.

Allele frequency attached by ClinVar (database versions not stated): gnomAD exomes 0.00032 and 0.00052; ExAC 0.00049; ESP Exome Variant Server 0.00123; gnomAD 0.00176 and 0.00181; TOPMed 0.00199; 1000 Genomes Project 0.00200; 1000 Genomes Project 30x 0.00312.
gnomAD v4.1: 739 of 1,614,158 alleles (0.046%); highest among the groups gnomAD compares: African/African-American, 0.66%; 2 homozygotes.

Submissions (3):

CeGaT Center for Human Genetics Tuebingen
Classification: Likely benign. Last evaluated: 2026-09-01. Review status: criteria provided, single submitter. Criteria: CeGaT Center For Human Genetics Tuebingen Variant Classification Criteria Version 2. Collection method: clinical testing. Allele origin: germline. Affected: yes. Observed: 2 variant alleles.
Comment: MYO1E: BP4, BP7

Labcorp Genetics (formerly Invitae), Labcorp
Classification: Benign. Last evaluated: 2025-12-15. Review status: criteria provided, single submitter. Criteria: Invitae Variant Classification Sherloc (09022015). Collection method: clinical testing. Allele origin: germline.

Blueprint Genetics
Classification: Likely benign. Last evaluated: 2024-11-26. Review status: criteria provided, single submitter. Criteria: ACMG Guidelines, 2015. Collection method: clinical testing. Allele origin: germline.